The following is an entry in ClinVar:

NM_001081550.2(THOC2):c.3341C>G (p.Thr1114Arg)

Gene: THOC2 (THO complex subunit 2; minus strand). Cytogenetic location: Xq25.
Variant type: single nucleotide variant.
Coding change: c.3341C>G on transcript NM_001081550.2 (MANE Select); coding-DNA position 3341, C replaced by G.
Protein change: p.Thr1114Arg; replaces threonine 1114 with arginine.
Molecular consequence: missense variant.
Genome position (GRCh38, 1-based): chrX:123,623,949, G>C on the plus strand (C>G on the coding strand, the complement: THOC2 is on the minus strand). VCF-style: chrX-123623949-G-C. GRCh37 (hg19) VCF-style: chrX-122757800-G-C.
Other names: short protein forms T1114R.
Identifiers: ClinVar variation 2626890 (VCV002626890.1), dbSNP rs2520992498, ClinGen allele CA414264336.
Genomic context (GRCh38, chrX:123,623,949, plus strand): 5'-TACCAAGGAAGTATTTTTGTTAGCACAATCAAGATATTCCTGATGTGAGTATATTCGCCT[G>C]TTTCAAGGCAATGTACCGATGCCTACAACAAACATTTTCAGATCCATTATTATAAAAGCA-3'
Protein context (NP_001075019.1, residues 1104-1124): LTKASVHCLE[Thr1114Arg]GEYTHIRNIL

ClinVar aggregate classification (germline): Uncertain significance (1 of 4 stars; one submission).

Submission:

Greenwood Genetic Center Diagnostic Laboratories, Greenwood Genetic Center
Classification: Uncertain significance. Last evaluated: 2023-08-16. Review status: criteria provided, single submitter. Criteria: ACMG Guidelines, 2015. Collection method: clinical testing. Allele origin: germline. Affected: yes.
Comment: PM2, PP2, PP3